The following is an entry in ClinVar:

ClinVar aggregate classification (germline): Benign/Likely benign. Review status: criteria provided, multiple submitters, no conflicts (2 of 4 stars). 6 submissions from 6 submitters: Benign (4); Likely benign (2). Last evaluated 2026-01-19.

Conditions:
Early-infantile DEE. Also called: Early infantile epileptic encephalopathy; Ohtahara syndrome; Early infantile epileptic encephalopathy with suppression bursts. Identifiers: Orphanet 1934, MedGen C0393706, MONDO:0800491.
Inborn genetic diseases. Identifiers: MedGen C0950123, MeSH D030342.

Allele frequency attached by ClinVar (database versions not stated): ExAC 0.00011; gnomAD exomes 0.00019; TOPMed 0.00136; 1000 Genomes Project 30x 0.00187.
gnomAD v4.1: 321 of 1,423,114 alleles (0.023%); highest among the groups gnomAD compares: African/African-American, 0.46%; 3 homozygotes.

Submissions (6):

Labcorp Genetics (formerly Invitae), Labcorp
Classification: Benign for Early-infantile DEE. Last evaluated: 2026-01-19. Review status: criteria provided, single submitter. Criteria: Invitae Variant Classification Sherloc (09022015). Collection method: clinical testing. Allele origin: germline.

Blueprint Genetics
Classification: Likely benign. Last evaluated: 2024-08-21. Review status: criteria provided, single submitter. Criteria: ACMG Guidelines, 2015. Collection method: clinical testing. Allele origin: germline.

CeGaT Center for Human Genetics Tuebingen
Classification: Benign. Last evaluated: 2022-07-01. Review status: criteria provided, single submitter. Criteria: CeGaT Center For Human Genetics Tuebingen Variant Classification Criteria Version 2. Collection method: clinical testing. Allele origin: germline. Affected: yes. Observed: 1 variant allele.
Comment: HCN1: BS1, BS2

GeneDx
Classification: Benign. Last evaluated: 2021-06-28. Review status: criteria provided, single submitter. Criteria: GeneDx Variant Classification Process June 2021. Collection method: clinical testing. Allele origin: germline. Affected: yes.

Ambry Genetics
Classification: Benign for Inborn genetic diseases. Last evaluated: 2019-04-25. Review status: criteria provided, single submitter. Criteria: Ambry Variant Classification Scheme 2023. Collection method: clinical testing. Allele origin: germline.

Eurofins Ntd Llc (ga)
Classification: Likely benign. Last evaluated: 2018-07-25. Review status: criteria provided, single submitter. Criteria: EGL ClinVar v180209 classification definitions. Collection method: clinical testing. Allele origin: germline. Observed: 1 variant allele, 1 heterozygote.

NM_021072.4(HCN1):c.159C>G (p.His53Gln)

Gene: HCN1 (hyperpolarization activated cyclic nucleotide gated potassium channel 1; minus strand). Cytogenetic location: 5p12.
Variant type: single nucleotide variant.
Coding change: c.159C>G on transcript NM_021072.4 (MANE Select); coding-DNA position 159, C replaced by G.
Protein change: p.His53Gln; replaces histidine 53 with glutamine.
Molecular consequence: missense variant.
Genome position (GRCh38, 1-based): chr5:45,695,935, G>C on the plus strand (C>G on the coding strand, the complement: HCN1 is on the minus strand). VCF-style: chr5-45695935-G-C. GRCh37 (hg19) VCF-style: chr5-45696037-G-C.
Other names: short protein forms H53Q.
Identifiers: ClinVar variation 404099 (VCV000404099.47), dbSNP rs10066808, ClinGen allele CA3259509.
Genomic context (GRCh38, chr5:45,695,935, plus strand): 5'-GCCGCCGCCGCCGCCGCCACCGCCGCCACCGCCGTCCACCTTGAAGCACACGGAGTTGCC[G>C]TGCTCCTTCGCGCCGGCCCCGCCGCCCCCCGGCGGGGTGCCCAGGCGCTTCTCGGCCGCG-3'
Protein context (NP_066550.2, residues 43-63): PGGGGAGAKE[His53Gln]GNSVCFKVDG